The following is an entry in ClinVar:

NM_198904.4(GABRG2):c.243T>A (p.Leu81=)

Gene: GABRG2 (gamma-aminobutyric acid type A receptor subunit gamma2; plus strand). Cytogenetic location: 5q34.
Variant type: single nucleotide variant.
Coding change: c.243T>A on transcript NM_198904.4 (MANE Select); coding-DNA position 243, T replaced by A.
Protein change: p.Leu81=; no amino-acid change (leucine 81 retained).
Molecular consequence: synonymous variant. On other transcripts: 5 prime UTR variant (3).
Genome position (GRCh38, 1-based): chr5:162,093,963, T>A. VCF-style: chr5-162093963-T-A. GRCh37 (hg19) VCF-style: chr5-161520969-T-A.
Other names: p.L81L:CTT>CTA; c.234T>A, p.Leu78= (NM_001375339.1); c.243T>A, p.Leu81= (NM_001375340.1, NM_001375341.1, NM_001375342.1 and 4 more transcripts); c.177T>A, p.Leu59= (NM_001375345.1, NM_001375346.1); c.156T>A, p.Leu52= (NM_001375347.1); c.-116T>A (NM_001375348.1, NM_001375350.1); c.-43T>A (NM_001375349.1).
Identifiers: ClinVar variation 137417 (VCV000137417.62), dbSNP rs143295869, ClinGen allele CA290984.
Genomic context (GRCh38, chr5:162,093,963, plus strand): 5'-TCCTGAGGGTGATGTCACTGTCATCTTAAACAACCTGCTGGAAGGATATGACAATAAACT[T>A]CGGCCTGATATAGGAGGTTTGTTAAAGTCTTTTGCGTTGTGCTATAGATAGGAGCACATA-3'
Protein context (NP_944494.1, residues 71-91): NNLLEGYDNK[Leu81=]RPDIGVKPTL

ClinVar aggregate classification (germline): Conflicting classifications of pathogenicity. Review status: criteria provided, conflicting classifications (1 of 4 stars). 7 submissions from 7 submitters: Uncertain significance (1); Benign (1); Likely benign (4). 1 of the submissions does not count toward it. Last evaluated 2026-04-01.

Conditions:
GABRG2-related disorder. Also called: GABRG2-related condition.
Inborn genetic diseases. Identifiers: MedGen C0950123, MeSH D030342.
Febrile seizures, familial, 8 (FEB8). Also called: CONVULSIONS, FAMILIAL FEBRILE, 8. Identifiers: Orphanet 36387, MedGen C1969810, MONDO:0011891, OMIM 607681.
EPILEPSY, CHILDHOOD ABSENCE, SUSCEPTIBILITY TO, 2 (ECA2). Identifiers: Orphanet 64280, MedGen C1843244, OMIM 607681.

Allele frequency attached by ClinVar (database versions not stated): ExAC 0.00014; gnomAD 0.00014 and 0.00015; gnomAD exomes 0.00015; TOPMed 0.00020; ESP Exome Variant Server 0.00031.
gnomAD v4.1: 539 of 1,613,140 alleles (0.033%); highest among the groups gnomAD compares: Non-Finnish European, 0.041%; no homozygotes.

Submissions (7):

CeGaT Center for Human Genetics Tuebingen
Classification: Likely benign. Last evaluated: 2026-04-01. Review status: criteria provided, single submitter. Criteria: CeGaT Center For Human Genetics Tuebingen Variant Classification Criteria Version 2. Collection method: clinical testing. Allele origin: germline. Affected: yes. Observed: 4 variant alleles.
Comment: GABRG2: BP4, BP7

Labcorp Genetics (formerly Invitae), Labcorp
Classification: Likely benign for Febrile seizures, familial, 8; EPILEPSY, CHILDHOOD ABSENCE, SUSCEPTIBILITY TO, 2. Last evaluated: 2025-11-16. Review status: criteria provided, single submitter. Criteria: Invitae Variant Classification Sherloc (09022015). Collection method: clinical testing. Allele origin: germline.

Blueprint Genetics
Classification: Likely benign. Last evaluated: 2024-06-26. Review status: criteria provided, single submitter. Criteria: ACMG Guidelines, 2015. Collection method: clinical testing. Allele origin: germline.

Illumina Laboratory Services, Illumina
Classification: Uncertain significance for Febrile seizures, familial, 8. Last evaluated: 2018-01-13. Review status: criteria provided, single submitter. Criteria: ICSL Variant Classification Criteria 13 December 2019. Collection method: clinical testing. Allele origin: germline.

Ambry Genetics
Classification: Likely benign for Inborn genetic diseases. Last evaluated: 2017-12-15. Review status: criteria provided, single submitter. Criteria: Ambry Variant Classification Scheme 2023. Collection method: clinical testing. Allele origin: germline.

GeneDx
Classification: Benign. Last evaluated: 2014-02-03. Review status: criteria provided, single submitter. Criteria: GeneDx Variant Classification (06012015). Collection method: clinical testing. Allele origin: germline. Affected: yes.
Comment: This variant is considered likely benign or benign based on one or more of the following criteria: it is a conservative change, it occurs at a poorly conserved position in the protein, it is predicted to be benign by multiple in silico algorithms, and/or has population frequency not consistent with disease.

PreventionGenetics, part of Exact Sciences
Classification: Likely benign for GABRG2-related condition. Last evaluated: 2024-05-13. Review status: no assertion criteria provided. Collection method: clinical testing. Allele origin: germline. Not counted in ClinVar's aggregate classification.
Comment: This variant is classified as likely benign based on ACMG/AMP sequence variant interpretation guidelines (Richards et al. 2015 PMID: 25741868, with internal and published modifications).